The following is an entry in ClinVar:

ClinVar aggregate classification (germline): Uncertain significance. Review status: criteria provided, multiple submitters, no conflicts (2 of 4 stars). 10 submissions from 10 submitters: Uncertain significance (7). 3 of the submissions do not count toward it. Last evaluated 2026-01-21.

Conditions:
Cardiovascular phenotype. Identifiers: MedGen CN230736.
Cardiomyopathy (CMYO). Also called: Cardiomyopathies. Identifiers: Orphanet 167848, MedGen C0878544, MONDO:0004994, HP:0001638. Inheritance: Various modes of inheritance.
Hypertrophic cardiomyopathy. Also called: HYPERTROPHIC MYOCARDIOPATHY. Identifiers: Orphanet 217569, MedGen C0007194, MeSH D002312, MONDO:0005045, HP:0001639.

Allele frequency attached by ClinVar (database versions not stated): ExAC 0.00004; gnomAD exomes 0.00004; TOPMed 0.00004.
gnomAD v4.1: 44 of 1,610,214 alleles (0.0027%); highest among the groups gnomAD compares: East Asian, 0.016%; no homozygotes.

Submissions (10):

Ambry Genetics
Classification: Uncertain significance for Cardiovascular phenotype. Last evaluated: 2026-01-21. Review status: criteria provided, single submitter. Criteria: Ambry Variant Classification Scheme 2023. Collection method: clinical testing. Allele origin: germline.

Labcorp Genetics (formerly Invitae), Labcorp
Classification: Uncertain significance for Hypertrophic cardiomyopathy. Last evaluated: 2025-03-19. Review status: criteria provided, single submitter. Criteria: Invitae Variant Classification Sherloc (09022015). Collection method: clinical testing. Allele origin: germline.
Comment: This sequence change replaces arginine, which is basic and polar, with histidine, which is basic and polar, at codon 1267 of the MYBPC3 protein (p.Arg1267His). This variant is present in population databases (rs730880142, gnomAD 0.03%). This missense change has been observed in individual(s) with hypertrophic cardiomyopathy and dilated cardiomyopathy (PMID: 30847666, 31513939, 31983221). ClinVar contains an entry for this variant (Variation ID: 180415). An algorithm developed to predict the effect of missense changes on protein structure and function (PolyPhen-2) suggests that this variant is likely to be disruptive. In summary, the available evidence is currently insufficient to determine the role of this variant in disease. Therefore, it has been classified as a Variant of Uncertain Significance.

All of Us Research Program, National Institutes of Health
Classification: Uncertain significance for Hypertrophic cardiomyopathy. Last evaluated: 2024-07-29. Review status: criteria provided, single submitter. Criteria: ACMG Guidelines, 2015. Collection method: clinical testing. Allele origin: germline. Inheritance: Autosomal dominant inheritance. Observed: 5 variant alleles, 5 heterozygotes.
Comment: This missense variant replaces arginine with histidine at codon 1267 of the MYBPC3 protein. Computational prediction tools indicate that this variant has a neutral impact on protein structure and function. To our knowledge, functional studies have not been reported for this variant. This variant has been reported in individuals affected with hypertrophic cardiomyopathy (PMID: 31513939; Kassem et al., 2017). It has also been reported in an individual affected with an unspecified cardiomyopathy (PMID: 30847666), and in an individual affected with dilated cardiomyopathy (PMID: 31983221). This variant has been identified in 9/246954 chromosomes in the general population by the Genome Aggregation Database (gnomAD). The available evidence is insufficient to determine the role of this variant in disease conclusively. Therefore, this variant is classified as a Variant of Uncertain Significance.

This study involves interpretation of variants in research participants for the purpose of population health screening. Participant phenotype was not available at the time of variant classification. Additional details can be found in publication PMID: 35346344, PMCID: PMC8962531

Color Diagnostics, LLC DBA Color Health
Classification: Uncertain significance for Cardiomyopathy. Last evaluated: 2024-07-17. Review status: criteria provided, single submitter. Criteria: ACMG Guidelines, 2015. Collection method: clinical testing. Allele origin: germline.
Comment: This missense variant replaces arginine with histidine at codon 1267 of the MYBPC3 protein. Computational prediction tools indicate that this variant has a neutral impact on protein structure and function. To our knowledge, functional studies have not been reported for this variant. This variant has been reported in individuals affected with hypertrophic cardiomyopathy (PMID: 31513939; Kassem et al., 2017). It has also been reported in an individual affected with an unspecified cardiomyopathy (PMID: 30847666), and in an individual affected with dilated cardiomyopathy (PMID: 31983221). This variant has been identified in 9/246954 chromosomes in the general population by the Genome Aggregation Database (gnomAD). The available evidence is insufficient to determine the role of this variant in disease conclusively. Therefore, this variant is classified as a Variant of Uncertain Significance.

Blueprint Genetics
Classification: Uncertain significance. Last evaluated: 2023-10-18. Review status: criteria provided, single submitter. Criteria: ACMG Guidelines, 2015. Collection method: clinical testing. Allele origin: germline.

GeneDx
Classification: Uncertain significance. Last evaluated: 2023-09-20. Review status: criteria provided, single submitter. Criteria: GeneDx Variant Classification Process June 2021. Collection method: clinical testing. Allele origin: germline. Affected: yes.
Comment: Has been reported as a variant of uncertain significance in association with HCM (Kassem et al., 2017; van Lint et al., 2019; Robyns et al., 2020); In silico analysis supports that this missense variant has a deleterious effect on protein structure/function; This variant is associated with the following publications: (PMID: 27535533, 30847666, 29914921, Kassem2017[CaseReport], 31513939)

Center for Human Genetics, University of Leuven
Classification: Uncertain significance for Hypertrophic cardiomyopathy. Last evaluated: 2018-10-31. Review status: criteria provided, single submitter. Criteria: ACMG Guidelines, 2015. Collection method: clinical testing. Allele origin: germline. Affected: yes.

Clinical Genetics DNA and cytogenetics Diagnostics Lab, Erasmus MC, Erasmus Medical Center
Classification: Uncertain significance. Review status: no assertion criteria provided. Collection method: clinical testing. Allele origin: germline. Affected: yes. Study: VKGL Data-share Consensus. Not counted in ClinVar's aggregate classification.

Clinical Genetics, Academic Medical Center
Classification: Uncertain significance. Review status: no assertion criteria provided. Collection method: clinical testing. Allele origin: germline. Affected: yes. Study: VKGL Data-share Consensus. Not counted in ClinVar's aggregate classification.

Joint Genome Diagnostic Labs from Nijmegen and Maastricht, Radboudumc and MUMC+
Classification: Uncertain significance. Review status: no assertion criteria provided. Collection method: clinical testing. Allele origin: germline. Affected: yes. Study: VKGL Data-share Consensus. Not counted in ClinVar's aggregate classification.

Literature cited by the submitters: PubMed 30847666 (cited by 3 submitters); PubMed 31513939 (cited by 3 submitters); PubMed 31983221 (cited by 3 submitters).

NM_000256.3(MYBPC3):c.3800G>A (p.Arg1267His)

Gene: MYBPC3 (myosin binding protein C3; minus strand). Cytogenetic location: 11p11.2.
Variant type: single nucleotide variant.
Coding change: c.3800G>A on transcript NM_000256.3 (MANE Select); coding-DNA position 3800, G replaced by A.
Protein change: p.Arg1267His; replaces arginine 1267 with histidine.
Molecular consequence: missense variant.
Genome position (GRCh38, 1-based): chr11:47,332,086, C>T on the plus strand (G>A on the coding strand, the complement: MYBPC3 is on the minus strand). VCF-style: chr11-47332086-C-T. GRCh37 (hg19) VCF-style: chr11-47353637-C-T.
Other names: c.3800G>A, p.Arg1267His (LRG_386t1); short protein forms R1267H.
Identifiers: ClinVar variation 180415 (VCV000180415.30), dbSNP rs730880142, ClinGen allele CA014937.
Genomic context (GRCh38, chr11:47,332,086, plus strand): 5'-GCCCGCTCTTCCCATCTCCCAGGCCCTGGCCCCGAGGGCTCCTCACCTCGCACCTCCAGG[C>T]GGCACTCACACCGTGCCTCGCCCTGTAAGTTGGTGGCCCTGCAGACATAGATGCCCCCGT-3'
Protein context (NP_000247.2, residues 1257-1274): NLQGEARCEC[Arg1267His]LEVRVPQ